The following is an entry in ClinVar:

NM_004336.5(BUB1):c.2299T>C (p.Trp767Arg)

Gene: BUB1 (BUB1 mitotic checkpoint serine/threonine kinase; minus strand). Cytogenetic location: 2q13.
Variant type: single nucleotide variant.
Coding change: c.2299T>C on transcript NM_004336.5 (MANE Select); coding-DNA position 2299, T replaced by C.
Protein change: p.Trp767Arg; replaces tryptophan 767 with arginine.
Molecular consequence: missense variant.
Genome position (GRCh38, 1-based): chr2:110,649,282, A>G on the plus strand (T>C on the coding strand, the complement: BUB1 is on the minus strand). VCF-style: chr2-110649282-A-G. GRCh37 (hg19) VCF-style: chr2-111406859-A-G.
Other names: c.2239T>C, p.Trp747Arg (NM_001278616.2); c.2299T>C, p.Trp767Arg (NM_001278617.2); short protein forms W767R, W747R.
Identifiers: ClinVar variation 3483088 (VCV003483088.1).
Genomic context (GRCh38, chr2:110,649,282, plus strand): 5'-AATAATTCTTACCCAATTGAAATTCAGTCTTGGGCTTGATGGCTGGAAGTTTACATTGCC[A>G]TTCAAAAGTATTTGGATAGGAACTCACTGGTTTAGAAAGCCCAGATAAAAGTTTGAAAAT-3'
Protein context (NP_004327.1, residues 757-777): PVSSYPNTFE[Trp767Arg]QCKLPAIKPK

ClinVar aggregate classification (germline): Uncertain significance (1 of 4 stars; one submission).

Submission:

Ambry Genetics
Classification: Uncertain significance. Last evaluated: 2024-10-28. Review status: criteria provided, single submitter. Criteria: Ambry Variant Classification Scheme 2023. Collection method: clinical testing. Allele origin: germline.
Comment: The p.W767R variant (also known as c.2299T>C), located in coding exon 19 of the BUB1 gene, results from a T to C substitution at nucleotide position 2299. The tryptophan at codon 767 is replaced by arginine, an amino acid with dissimilar properties. This amino acid position is conserved. In addition, the in silico prediction for this alteration is inconclusive. Based on the available evidence, the clinical significance of this variant remains unclear.